The following is an entry in ClinVar:

NM_000179.3(MSH6):c.3646+27_3646+33del

Gene: MSH6 (mutS homolog 6; plus strand). Cytogenetic location: 2p16.3.
Variant type: Deletion.
Coding change: c.3646+27_3646+33del on transcript NM_000179.3 (MANE Select); bases 27 to 33 of the intron after coding-DNA position 3646, 7 bases deleted (GACTATC; older notation c.3646+27_3646+33delGACTATC).
Molecular consequence: intron variant.
Genome position (GRCh38, 1-based): chr2:47,805,734-47,805,740, GACTATC deleted. VCF-style (leftmost placement, unchanged base first): chr2-47805733-AGACTATC-A. GRCh37 (hg19) VCF-style: chr2-48032872-AGACTATC-A.
Other names: c.3646+27_3646+33del (NM_001406809.1, NM_001406796.1, NM_001406808.1 and 1 more transcripts); c.2740+27_2740+33del (NM_001406811.1, NM_001406814.1, NM_001281493.2 and 6 more transcripts); c.3349+27_3349+33del (NM_001406805.1, NM_001406797.1, NM_001406801.1 and 10 more transcripts); c.3742+27_3742+33del (NM_001406795.1, NM_001406802.1); c.3652+27_3652+33del (NM_001406813.1); c.3121+27_3121+33del (NM_001406807.1, NM_001406799.1, NM_001406806.1); c.3472+27_3472+33del (NM_001406798.1); c.2782+27_2782+33del (NM_001406803.1); and 7 more.
Identifiers: ClinVar variation 3903471 (VCV003903471.1).

ClinVar aggregate classification (germline): Benign (1 of 4 stars; one submission).

Conditions:
Lynch syndrome 5 (LYNCH5). Also called: Colorectal cancer, hereditary nonpolyposis, type 5; Hereditary non-polyposis colorectal cancer, type 5. Identifiers: Orphanet 144, MedGen C1833477, MONDO:0013710, OMIM 614350. Disease mechanism: loss of function.

Submission:

Myriad Genetics, Inc.
Classification: Benign for Lynch syndrome 5. Last evaluated: 2025-01-07. Review status: criteria provided, single submitter. Criteria: Myriad Autosomal Dominant, Autosomal Recessive and X-Linked Classification Criteria (2023). Collection method: clinical testing. Allele origin: unknown.
Comment: This variant is considered benign. This variant is intronic and is not expected to impact mRNA splicing.